The following is an entry in ClinVar:

ClinVar aggregate classification (germline): Uncertain significance. Review status: criteria provided, multiple submitters, no conflicts (2 of 4 stars). 5 submissions from 5 submitters: Uncertain significance (5). Last evaluated 2026-01-04.

Conditions:
Autoinflammatory syndrome. Identifiers: Orphanet 93665, MedGen C3890737, MONDO:0019751.
Cryopyrin associated periodic syndrome (CAPS). Identifiers: Orphanet 208650, MedGen C2316212, MONDO:0016168.
Familial cold autoinflammatory syndrome 1 (FCAS1). Also called: CRYOPYRIN-ASSOCIATED PERIODIC SYNDROME 1; Familial cold inflammatory syndrome 1. Identifiers: Orphanet 47045, MedGen C4551895, MONDO:0007349, OMIM 120100.
Familial amyloid nephropathy with urticaria AND deafness (MWS). Also called: MUCKLE-WELLS SYNDROME; Urticaria, deafness and amyloidosis; UDA SYNDROME; URTICARIA-DEAFNESS-AMYLOIDOSIS SYNDROME; CRYOPYRIN-ASSOCIATED PERIODIC SYNDROME 2. Identifiers: Orphanet 575, MedGen C0268390, MONDO:0008633, OMIM 191900.
Chronic infantile neurological, cutaneous and articular syndrome (CINCA). Also called: Prieur Griscelli syndrome; CRYOPYRIN-ASSOCIATED PERIODIC SYNDROME 3; CINCA syndrome; CHRONIC NEUROLOGIC CUTANEOUS AND ARTICULAR SYNDROME. Identifiers: Orphanet 1451, MedGen C0409818, MONDO:0011776, OMIM 607115.
Keratitis fugax hereditaria. Also called: KERATOENDOTHELIITIS FUGAX HEREDITARIA. Identifiers: Orphanet 647815, MedGen C1835697, MONDO:0007849, OMIM 148200.
Hearing loss, autosomal dominant 34, with or without inflammation. Also called: DEAFNESS, AUTOSOMAL DOMINANT 34, WITH OR WITHOUT INFLAMMATION. Identifiers: MedGen C4521680, MONDO:0033261, OMIM 617772.

Allele frequency attached by ClinVar (database versions not stated): gnomAD exomes below 0.00001 and 0.00002; TOPMed below 0.00001; ExAC 0.00001; gnomAD 0.00001.
gnomAD v4.1: 26 of 1,613,976 alleles (0.0016%); highest among the groups gnomAD compares: Non-Finnish European, 0.0021%; no homozygotes.

Submissions (5):

Labcorp Genetics (formerly Invitae), Labcorp
Classification: Uncertain significance for Cryopyrin associated periodic syndrome. Last evaluated: 2026-01-04. Review status: criteria provided, single submitter. Criteria: Invitae Variant Classification Sherloc (09022015). Collection method: clinical testing. Allele origin: germline.
Comment: This sequence change replaces leucine, which is neutral and non-polar, with phenylalanine, which is neutral and non-polar, at codon 241 of the NLRP3 protein (p.Leu241Phe). This variant is present in population databases (rs770294045, gnomAD 0.002%). This variant has not been reported in the literature in individuals affected with NLRP3-related conditions. ClinVar contains an entry for this variant (Variation ID: 1301429). Invitae Evidence Modeling of protein sequence and biophysical properties (such as structural, functional, and spatial information, amino acid conservation, physicochemical variation, residue mobility, and thermodynamic stability) has been performed for this missense variant. However, the output from this modeling did not meet the statistical confidence thresholds required to predict the impact of this variant on NLRP3 protein function. In summary, the available evidence is currently insufficient to determine the role of this variant in disease. Therefore, it has been classified as a Variant of Uncertain Significance.

GeneDx
Classification: Uncertain significance. Last evaluated: 2024-12-03. Review status: criteria provided, single submitter. Criteria: GeneDx Variant Classification Process June 2021. Collection method: clinical testing. Allele origin: germline. Affected: yes.
Comment: In silico analysis supports that this missense variant has a deleterious effect on protein structure/function; Has not been previously published as pathogenic or benign to our knowledge; Also known as p.L239F; This variant is associated with the following publications: (PMID: 19302049)

Fulgent Genetics
Classification: Uncertain significance for Familial cold autoinflammatory syndrome 1; Keratitis fugax hereditaria; Familial amyloid nephropathy with urticaria AND deafness; Chronic infantile neurological, cutaneous and articular syndrome; Hearing loss, autosomal dominant 34, with or without inflammation. Last evaluated: 2024-04-17. Review status: criteria provided, single submitter. Criteria: ACMG Guidelines, 2015. Collection method: clinical testing. Allele origin: germline.

Blueprint Genetics
Classification: Uncertain significance. Last evaluated: 2020-07-22. Review status: criteria provided, single submitter. Criteria: ACMG Guidelines, 2015. Collection method: clinical testing. Allele origin: germline.

Genome Diagnostics Laboratory, The Hospital for Sick Children
Classification: Uncertain significance for Autoinflammatory syndrome. Last evaluated: 2020-03-01. Review status: criteria provided, single submitter. Criteria: ACMG Guidelines, 2015. Collection method: clinical testing. Allele origin: germline. Affected: yes.

NM_001243133.2(NLRP3):c.717G>T (p.Leu239Phe)

Gene: NLRP3 (NLR family pyrin domain containing 3; plus strand). Cytogenetic location: 1q44.
Variant type: single nucleotide variant.
Coding change: c.717G>T on transcript NM_001243133.2 (MANE Select); coding-DNA position 717, G replaced by T.
Protein change: p.Leu239Phe; replaces leucine 239 with phenylalanine.
Molecular consequence: missense variant.
Genome position (GRCh38, 1-based): chr1:247,424,166, G>T. VCF-style: chr1-247424166-G-T. GRCh37 (hg19) VCF-style: chr1-247587468-G-T.
Other names: c.717G>T, p.Leu239Phe (NM_001079821.3, NM_001127461.3, NM_001127462.3 and 1 more transcripts); c.723G>T, p.Leu241Phe (NM_004895.5); short protein forms L239F, L241F.
Identifiers: ClinVar variation 1301429 (VCV001301429.12), dbSNP rs770294045, ClinGen allele CA1494925.